The following is an entry in ClinVar:

NM_000553.6(WRN):c.1346T>C (p.Leu449Pro)

Gene: WRN (WRN RecQ like helicase; plus strand). Cytogenetic location: 8p12.
Variant type: single nucleotide variant.
Coding change: c.1346T>C on transcript NM_000553.6 (MANE Select); coding-DNA position 1346, T replaced by C.
Protein change: p.Leu449Pro; replaces leucine 449 with proline.
Molecular consequence: missense variant.
Genome position (GRCh38, 1-based): chr8:31,083,775, T>C. VCF-style: chr8-31083775-T-C. GRCh37 (hg19) VCF-style: chr8-30941291-T-C.
Other names: short protein forms L449P.
Identifiers: ClinVar variation 2917826 (VCV002917826.3), dbSNP rs2535916996, ClinGen allele CA370922945.

ClinVar aggregate classification (germline): Uncertain significance (1 of 4 stars; one submission).

Conditions:
Werner syndrome (WRN). Identifiers: Orphanet 902, MedGen C0043119, MONDO:0010196, OMIM 277700.

Submission:

Labcorp Genetics (formerly Invitae), Labcorp
Classification: Uncertain significance for Werner syndrome. Last evaluated: 2023-02-21. Review status: criteria provided, single submitter. Criteria: Invitae Variant Classification Sherloc (09022015). Collection method: clinical testing. Allele origin: germline.
Comment: In summary, the available evidence is currently insufficient to determine the role of this variant in disease. Therefore, it has been classified as a Variant of Uncertain Significance. An algorithm developed to predict the effect of missense changes on protein structure and function (PolyPhen-2) suggests that this variant is likely to be tolerated. This variant has not been reported in the literature in individuals affected with WRN-related conditions. This variant is not present in population databases (gnomAD no frequency). This sequence change replaces leucine, which is neutral and non-polar, with proline, which is neutral and non-polar, at codon 449 of the WRN protein (p.Leu449Pro).